The following is an entry in ClinVar:

NM_004006.3(DMD):c.7327_7328del (p.Thr2443fs)

Gene: DMD (dystrophin; minus strand). Cytogenetic location: Xp21.1.
Variant type: Deletion.
Coding change: c.7327_7328del on transcript NM_004006.3 (MANE Select); coding-DNA positions 7327 to 7328, 2 bases deleted (AC; older notation c.7327_7328delAC).
Protein change: p.Thr2443fs; shifts the reading frame from threonine 2443.
Molecular consequence: frameshift variant. On other transcripts: 5 prime UTR variant (5).
Genome position (GRCh38, 1-based): chrX:31,774,174-31,774,175, GT deleted on the plus strand (AC on the coding strand, the reverse complement: DMD is on the minus strand). VCF-style (leftmost placement, unchanged base first): chrX-31774173-AGT-A. GRCh37 (hg19) VCF-style: chrX-31792290-AGT-A.
Other names: c.7303_7304del, p.Thr2435fs (NM_000109.4); c.7315_7316del, p.Thr2439fs (NM_004009.3); c.6958_6959del, p.Thr2320fs (NM_004010.3); c.3304_3305del, p.Thr1102fs (NM_004011.4); c.3295_3296del, p.Thr1099fs (NM_004012.4); c.-54_-53del (NM_004013.3, NM_004020.4, NM_004021.3 and 2 more transcripts); short protein forms T1099fs, T1102fs, T2320fs, T2435fs, T2439fs, T2443fs.
Identifiers: ClinVar variation 1806427 (VCV001806427.1), dbSNP rs2530843052, ClinGen allele CA2580100616.
Genomic context (GRCh38, chrX:31,774,173, plus strand): 5'-AGATGGCATTTCTAGTTTGGAGATGGCAGTTTCCTTAGTAACCACAGGTTGTGTCACCAG[AGT>A]AACAGTCTGAGTAGGAGCTAAAATATTTTGGGTTTTTGCAAAAAGGAAAAAAGAAGAAAA-3'

ClinVar aggregate classification (germline): Likely pathogenic (1 of 4 stars; one submission).

Conditions:
Duchenne muscular dystrophy (DMD). Also called: MUSCULAR DYSTROPHY, PSEUDOHYPERTROPHIC PROGRESSIVE, DUCHENNE TYPE; Duchenne Muscular Dystrophy (DMD). Identifiers: Orphanet 98896, MedGen C0013264, MONDO:0010679, OMIM 310200.

Submission:

Laboratory of Medical Genetics, National & Kapodistrian University of Athens
Classification: Likely pathogenic for Duchenne muscular dystrophy. Last evaluated: 2022-12-16. Review status: criteria provided, single submitter. Criteria: ACMG Guidelines, 2015. Collection method: clinical testing. Allele origin: germline. Affected: yes.
Comment: PVS1, PM2